The following is an entry in ClinVar:

NM_000199.5(SGSH):c.916G>T (p.Gly306Cys)

Gene: SGSH (N-sulfoglucosamine sulfohydrolase; minus strand). Cytogenetic location: 17q25.3.
Variant type: single nucleotide variant.
Coding change: c.916G>T on transcript NM_000199.5 (MANE Select); coding-DNA position 916, G replaced by T.
Protein change: p.Gly306Cys; replaces glycine 306 with cysteine.
Molecular consequence: missense variant. On other transcripts: non-coding transcript variant (1).
Genome position (GRCh38, 1-based): chr17:80,212,104, C>A on the plus strand (G>T on the coding strand, the complement: SGSH is on the minus strand). VCF-style: chr17-80212104-C-A. GRCh37 (hg19) VCF-style: chr17-78185903-C-A.
Other names: c.916G>T, p.Gly306Cys (NM_001352921.3, NM_001352922.2); short protein forms G306C.
Identifiers: ClinVar variation 640475 (VCV000640475.7), dbSNP rs1598742412, ClinGen allele CA401359671.
Genomic context (GRCh38, chr17:80,212,104, plus strand): 5'-TCCTGACGGAGACAGACAAAGGCATACCTAGGAGGCTCACGTAGGCCTCGCTGACTTGGC[C>A]CCAGCGTTTTGGGTGCTCCGGGGATGACACCAGTAAGGGTTCAGCAGTGCCCGGCCAGTA-3'
Protein context (NP_000190.1, residues 296-316): VSSPEHPKRW[Gly306Cys]QVSEAYVSLL

ClinVar aggregate classification (germline): Uncertain significance. Review status: criteria provided, multiple submitters, no conflicts (2 of 4 stars). 2 submissions from 2 submitters: Uncertain significance (2). Last evaluated 2024-11-11.

Conditions:
Mucopolysaccharidosis, MPS-III-A (MPS3A). Also called: Mucopolysaccharidosis, type IIIA; MPS IIIA (Sanfilippo Syndrome Type A); MPS III A; SANFILIPPO SYNDROME A; SULFAMIDASE DEFICIENCY; Mucopolysaccharidosis type IIIA (Sanfilippo A). Identifiers: Orphanet 581, Orphanet 79269, MedGen C0086647, MONDO:0009655, OMIM 252900.

Submissions (2):

Labcorp Genetics (formerly Invitae), Labcorp
Classification: Uncertain significance for Mucopolysaccharidosis, MPS-III-A. Last evaluated: 2024-11-11. Review status: criteria provided, single submitter. Criteria: Invitae Variant Classification Sherloc (09022015). Collection method: clinical testing. Allele origin: germline.
Comment: This sequence change replaces glycine, which is neutral and non-polar, with cysteine, which is neutral and slightly polar, at codon 306 of the SGSH protein (p.Gly306Cys). This variant is not present in population databases (gnomAD no frequency). This variant has not been reported in the literature in individuals affected with SGSH-related conditions. ClinVar contains an entry for this variant (Variation ID: 640475). Invitae Evidence Modeling of protein sequence and biophysical properties (such as structural, functional, and spatial information, amino acid conservation, physicochemical variation, residue mobility, and thermodynamic stability) indicates that this missense variant is expected to disrupt SGSH protein function with a positive predictive value of 95%. In summary, the available evidence is currently insufficient to determine the role of this variant in disease. Therefore, it has been classified as a Variant of Uncertain Significance.

Genome-Nilou Lab
Classification: Uncertain significance for Mucopolysaccharidosis, MPS-III-A. Last evaluated: 2021-11-07. Review status: criteria provided, single submitter. Criteria: ACMG Guidelines, 2015. Collection method: clinical testing. Allele origin: germline. Affected: no.